The following is an entry in ClinVar:

NC_000002.12:g.(?_202513709)_(202532742_?)dup

Gene: BMPR2 (bone morphogenetic protein receptor type 2; plus strand). Cytogenetic location: 2q33.2.
Variant type: Duplication.
Identifiers: ClinVar variation 1022721 (VCV001022721.3).

ClinVar aggregate classification (germline): Uncertain significance. Review status: criteria provided, single submitter (1 of 4 stars). 2 submissions from 1 submitter: Uncertain significance (2). Last evaluated 2019-08-22.

Conditions:
Primary pulmonary hypertension. Also called: Idiopathic pulmonary hypertension. Identifiers: MedGen C0152171.
Pulmonary hypertension, primary, 1 (PPH1). Also called: Pulmonary hypertension, familial primary, 1, with or without HHT. Identifiers: Orphanet 422, MedGen C4552070, MONDO:0024533, OMIM 178600.

Submissions (2):

Labcorp Genetics (formerly Invitae), Labcorp
Classification: Uncertain significance for Idiopathic Pulmonary Hypertension. Last evaluated: 2019-08-22. Review status: criteria provided, single submitter. Criteria: Invitae Variant Classification Sherloc (09022015). Collection method: clinical testing. Allele origin: germline.
Comment: This variant results in a copy number gain of the genomic region encompassing exons 4-9 of the BMPR2 gene. While the exact position of this variant cannot be determined from this data, sub-genic copy number gains are generally in tandem (PMID: 25640679). This variant would be expected to be in-frame, preserving the integrity of the reading frame. This variant has been observed in an individual affected with pulmonary hypertension (Invitae). Experimental studies and prediction algorithms are not available or were not evaluated for this variant, and the functional significance of the affected amino acids is currently unknown. In summary, the available evidence is currently insufficient to determine the role of this variant in disease. Therefore, it has been classified as a Variant of Uncertain Significance.

Labcorp Genetics (formerly Invitae), Labcorp
Classification: Uncertain significance for Primary pulmonary hypertension. Last evaluated: 2019-08-22. Review status: criteria provided, single submitter. Criteria: Invitae Variant Classification Sherloc (09022015). Collection method: clinical testing. Allele origin: germline.
Comment: In summary, the available evidence is currently insufficient to determine the role of this variant in disease. Therefore, it has been classified as a Variant of Uncertain Significance. Experimental studies and prediction algorithms are not available or were not evaluated for this variant, and the functional significance of the affected amino acids is currently unknown. This variant has been observed in an individual affected with pulmonary hypertension (Invitae). This variant results in a copy number gain of the genomic region encompassing exons 4-9 of the BMPR2 gene. While the exact position of this variant cannot be determined from this data, sub-genic copy number gains are generally in tandem (PMID: 25640679). This variant would be expected to be in-frame, preserving the integrity of the reading frame.

Literature cited by the submitters: PubMed 25640679.